The following is an entry in ClinVar:

ClinVar aggregate classification (germline): Uncertain significance (1 of 4 stars; one submission).

gnomAD v4.1: 54 of 1,614,052 alleles (0.0033%); highest among the groups gnomAD compares: Non-Finnish European, 0.0044%; no homozygotes.

Submission:

Mayo Clinic Laboratories, Mayo Clinic
Classification: Uncertain significance. Last evaluated: 2025-02-02. Review status: criteria provided, single submitter. Criteria: ACMG Guidelines, 2015. Collection method: clinical testing. Allele origin: germline. Observed: 1 variant allele.
Comment: BP4

NM_007055.4(POLR3A):c.379G>A (p.Asp127Asn)

Genes: POLR3A (RNA polymerase III subunit A; minus strand), LOC126860971 (CDK7 strongly-dependent group 2 enhancer GRCh37_chr10:79784551-79785750; plus strand). Cytogenetic location: 10q22.3.
Variant type: single nucleotide variant.
Coding change: c.379G>A on transcript NM_007055.4 (MANE Select); coding-DNA position 379, G replaced by A.
Protein change: p.Asp127Asn; replaces aspartic acid 127 with asparagine.
Molecular consequence: missense variant.
Genome position (GRCh38, 1-based): chr10:78,025,082, C>T on the plus strand (G>A on the coding strand, the complement: POLR3A is on the minus strand). VCF-style: chr10-78025082-C-T. GRCh37 (hg19) VCF-style: chr10-79784840-C-T.
Other names: p.Asp127Asn; short protein forms D127N.
Identifiers: ClinVar variation 4541556 (VCV004541556.1).